The following is an entry in ClinVar:

NM_002299.4(LCT):c.3805A>G (p.Ile1269Val)

Gene: LCT (lactase; minus strand). Cytogenetic location: 2q21.3.
Variant type: single nucleotide variant.
Coding change: c.3805A>G on transcript NM_002299.4 (MANE Select); coding-DNA position 3805, A replaced by G.
Protein change: p.Ile1269Val; replaces isoleucine 1269 with valine.
Molecular consequence: missense variant.
Genome position (GRCh38, 1-based): chr2:135,808,542, T>C on the plus strand (A>G on the coding strand, the complement: LCT is on the minus strand). VCF-style: chr2-135808542-T-C. GRCh37 (hg19) VCF-style: chr2-136566112-T-C.
Other names: c.3805A>G (NM_002299.2); short protein forms I1269V.
Identifiers: ClinVar variation 1445730 (VCV001445730.7), dbSNP rs781776398, ClinGen allele CA1887983.

ClinVar aggregate classification (germline): Uncertain significance. Review status: criteria provided, multiple submitters, no conflicts (2 of 4 stars). 2 submissions from 2 submitters: Uncertain significance (2). Last evaluated 2024-07-26.

Conditions:
Inborn genetic diseases. Identifiers: MedGen C0950123, MeSH D030342.

Allele frequency attached by ClinVar (database versions not stated): TOPMed 0.00001; gnomAD 0.00005; gnomAD exomes 0.00005 and 0.00010; ExAC 0.00013.
gnomAD v4.1: 89 of 1,614,038 alleles (0.0055%); highest among the groups gnomAD compares: South Asian, 0.072%; no homozygotes.

Submissions (2):

Ambry Genetics
Classification: Uncertain significance for Inborn genetic diseases. Last evaluated: 2024-07-26. Review status: criteria provided, single submitter. Criteria: Ambry Variant Classification Scheme 2023. Collection method: clinical testing. Allele origin: germline.

Labcorp Genetics (formerly Invitae), Labcorp
Classification: Uncertain significance. Last evaluated: 2022-08-23. Review status: criteria provided, single submitter. Criteria: Invitae Variant Classification Sherloc (09022015). Collection method: clinical testing. Allele origin: germline.
Comment: In summary, the available evidence is currently insufficient to determine the role of this variant in disease. Therefore, it has been classified as a Variant of Uncertain Significance. Algorithms developed to predict the effect of missense changes on protein structure and function output the following: SIFT: "Not Available"; PolyPhen-2: "Benign"; Align-GVGD: "Not Available". The valine amino acid residue is found in multiple mammalian species, which suggests that this missense change does not adversely affect protein function. ClinVar contains an entry for this variant (Variation ID: 1445730). This variant has not been reported in the literature in individuals affected with LCT-related conditions. This variant is present in population databases (rs781776398, gnomAD 0.07%). This sequence change replaces isoleucine, which is neutral and non-polar, with valine, which is neutral and non-polar, at codon 1269 of the LCT protein (p.Ile1269Val).